The following is an entry in ClinVar:

NM_005956.4(MTHFD1):c.1177C>T (p.Leu393=)

Gene: MTHFD1 (methylenetetrahydrofolate dehydrogenase, cyclohydrolase and formyltetrahydrofolate synthetase 1; plus strand). Cytogenetic location: 14q23.3.
Variant type: single nucleotide variant.
Coding change: c.1177C>T on transcript NM_005956.4 (MANE Select); coding-DNA position 1177, C replaced by T.
Protein change: p.Leu393=; no amino-acid change (leucine 393 retained).
Molecular consequence: synonymous variant.
Genome position (GRCh38, 1-based): chr14:64,427,386, C>T. VCF-style: chr14-64427386-C-T. GRCh37 (hg19) VCF-style: chr14-64894104-C-T.
Other names: c.1177C>T, p.Leu393= (NM_001364837.1).
Identifiers: ClinVar variation 3031786 (VCV003031786.2), dbSNP rs543634249, ClinGen allele CA261836253.

ClinVar aggregate classification (germline): Likely benign (0 of 4 stars; one submission).

Conditions:
MTHFD1-related disorder. Also called: MTHFD1-related condition.

Allele frequency attached by ClinVar (database versions not stated): gnomAD exomes below 0.00001.
gnomAD v4.1: 1 of 1,614,164 alleles (0.000062%); highest among the groups gnomAD compares: African/African-American, 0.0013%; no homozygotes.

Submission:

PreventionGenetics, part of Exact Sciences
Classification: Likely benign for MTHFD1-related condition. Last evaluated: 2020-10-06. Review status: no assertion criteria provided. Collection method: clinical testing. Allele origin: germline.
Comment: This variant is classified as likely benign based on ACMG/AMP sequence variant interpretation guidelines (Richards et al. 2015 PMID: 25741868, with internal and published modifications).